The following is an entry in ClinVar:

NM_145059.3(FCSK):c.1433C>T (p.Thr478Met)

Gene: FCSK (fucose kinase; plus strand). Cytogenetic location: 16q22.1.
Variant type: single nucleotide variant.
Coding change: c.1433C>T on transcript NM_145059.3 (MANE Select); coding-DNA position 1433, C replaced by T.
Protein change: p.Thr478Met; replaces threonine 478 with methionine.
Molecular consequence: missense variant.
Genome position (GRCh38, 1-based): chr16:70,473,009, C>T. VCF-style: chr16-70473009-C-T. GRCh37 (hg19) VCF-style: chr16-70506912-C-T.
Other names: c.1433C>T (NM_145059.2); short protein forms T478M.
Identifiers: ClinVar variation 1921895 (VCV001921895.6), dbSNP rs751772390, ClinGen allele CA8143344.

ClinVar aggregate classification (germline): Uncertain significance. Review status: criteria provided, multiple submitters, no conflicts (2 of 4 stars). 2 submissions from 2 submitters: Uncertain significance (2). Last evaluated 2022-11-18.

Allele frequency attached by ClinVar (database versions not stated): gnomAD 0.00005; TOPMed 0.00005; gnomAD exomes 0.00009; ExAC 0.00016.
gnomAD v4.1: 138 of 1,599,912 alleles (0.0086%); highest among the groups gnomAD compares: East Asian, 0.19%; no homozygotes.

Submissions (2):

Ambry Genetics
Classification: Uncertain significance. Last evaluated: 2022-11-18. Review status: criteria provided, single submitter. Criteria: Ambry Variant Classification Scheme 2023. Collection method: clinical testing. Allele origin: germline.

Labcorp Genetics (formerly Invitae), Labcorp
Classification: Uncertain significance. Last evaluated: 2022-02-24. Review status: criteria provided, single submitter. Criteria: Invitae Variant Classification Sherloc (09022015). Collection method: clinical testing. Allele origin: germline.
Comment: This variant has not been reported in the literature in individuals affected with FUK-related conditions. Algorithms developed to predict the effect of missense changes on protein structure and function output the following: SIFT: "Tolerated"; PolyPhen-2: "Benign"; Align-GVGD: "Class C0". The methionine amino acid residue is found in multiple mammalian species, which suggests that this missense change does not adversely affect protein function. In summary, the available evidence is currently insufficient to determine the role of this variant in disease. Therefore, it has been classified as a Variant of Uncertain Significance. The frequency data for this variant in the population databases is considered unreliable, as metrics indicate poor data quality at this position in the gnomAD database. This sequence change replaces threonine, which is neutral and polar, with methionine, which is neutral and non-polar, at codon 478 of the FUK protein (p.Thr478Met).